The following is an entry in ClinVar:

NM_003060.4(SLC22A5):c.1433C>T (p.Pro478Leu)

Gene: SLC22A5 (solute carrier family 22 member 5; plus strand). Cytogenetic location: 5q31.1.
Variant type: single nucleotide variant.
Coding change: c.1433C>T on transcript NM_003060.4 (MANE Select); coding-DNA position 1433, C replaced by T.
Protein change: p.Pro478Leu; replaces proline 478 with leucine.
Molecular consequence: missense variant.
Genome position (GRCh38, 1-based): chr5:132,392,598, C>T. VCF-style: chr5-132392598-C-T. GRCh37 (hg19) VCF-style: chr5-131728290-C-T.
Other names: c.1505C>T, p.Pro502Leu (NM_001308122.2); short protein forms P478L, P502L.
Identifiers: ClinVar variation 6419 (VCV000006419.12), dbSNP rs72552735, ClinGen allele CA340584.

ClinVar aggregate classification (germline): Pathogenic/Likely pathogenic. Review status: criteria provided, multiple submitters, no conflicts (2 of 4 stars). 4 submissions from 4 submitters: Pathogenic (1); Likely pathogenic (2). 1 of the submissions does not count toward it. Last evaluated 2024-05-17.

Conditions:
Carnitine deficiency. Identifiers: MedGen C1142132.
Renal carnitine transport defect (CDSP). Also called: Primary carnitine deficiency; CARNITINE DEFICIENCY, SYSTEMIC, DUE TO DEFECT IN RENAL REABSORPTION OF CARNITINE; CARNITINE TRANSPORTER, PLASMA-MEMBRANE, DEFICIENCY OF; CARNITINE UPTAKE DEFECT; Carnitine transporter deficiency; Carnitine Deficiency, Systemic. Identifiers: Orphanet 158, MedGen C0342788, MONDO:0008919, OMIM 212140.

Allele frequency attached by ClinVar (database versions not stated): gnomAD exomes below 0.00001.
gnomAD v4.1: 1 of 1,614,114 alleles (0.000062%); highest among the groups gnomAD compares: East Asian, 0.0022%; no homozygotes.

Submissions (4):

Natera, Inc.
Classification: Likely pathogenic for Carnitine deficiency. Last evaluated: 2024-05-17. Review status: criteria provided, single submitter. Criteria: Natera Variant Classification Schema (03/2026). Collection method: clinical testing. Allele origin: germline.
Comment: The c.1433C>T variant in SLC22A5 is a missense variant predicted to cause substitution of proline to leucine at amino acid 478. This variant is rare in the general population with a frequency below the threshold expected for the associated phenotype(s). This variant has been observed in one or more individuals affected with the associated recessive disease, as either homozygous or compound heterozygous with a second variant (PMID: 30838026, 10072434, 32371215). Functional studies show that this variant may disrupt protein function (PMID: 10072434, 10454528, 10559218). Computational prediction algorithms indicate this variant is likely to affect gene or protein function. Given the available evidence, this variant is classified as Likely Pathogenic.

Baylor Genetics
Classification: Likely pathogenic for Renal carnitine transport defect. Last evaluated: 2023-08-31. Review status: criteria provided, single submitter. Criteria: ACMG Guidelines, 2015. Collection method: clinical testing. Allele origin: unknown.

Labcorp Genetics (formerly Invitae), Labcorp
Classification: Pathogenic for Renal carnitine transport defect. Last evaluated: 2022-09-06. Review status: criteria provided, single submitter. Criteria: Invitae Variant Classification Sherloc (09022015). Collection method: clinical testing. Allele origin: germline.
Comment: Experimental studies have shown that this missense change affects SLC22A5 function (PMID: 10454528, 10559218, 28841266). Advanced modeling of protein sequence and biophysical properties (such as structural, functional, and spatial information, amino acid conservation, physicochemical variation, residue mobility, and thermodynamic stability) performed at Invitae indicates that this missense variant is expected to disrupt SLC22A5 protein function. ClinVar contains an entry for this variant (Variation ID: 6419). This missense change has been observed in individual(s) with primary carnitine deficiency (PMID: 10072434). In at least one individual the data is consistent with being in trans (on the opposite chromosome) from a pathogenic variant. This variant is not present in population databases (gnomAD no frequency). This sequence change replaces proline, which is neutral and non-polar, with leucine, which is neutral and non-polar, at codon 478 of the SLC22A5 protein (p.Pro478Leu). For these reasons, this variant has been classified as Pathogenic.

OMIM
Classification: Pathogenic for CARNITINE DEFICIENCY, SYSTEMIC PRIMARY. Last evaluated: 1999-04-01. Review status: no assertion criteria provided. Collection method: literature only. Allele origin: germline. Not counted in ClinVar's aggregate classification.

Literature cited by the submitters: PubMed 30838026 (cited by Natera, Inc.); PubMed 10072434 (cited by 3 submitters); PubMed 32371215 (cited by Natera, Inc.); PubMed 10454528 (cited by Natera, Inc. and Labcorp Genetics (formerly Invitae), Labcorp); PubMed 10559218 (cited by Natera, Inc. and Labcorp Genetics (formerly Invitae), Labcorp); PubMed 28841266 (cited by Labcorp Genetics (formerly Invitae), Labcorp).